The following is an entry in ClinVar:

NC_000012.12:g.1793759_1793761del

Gene: CACNA2D4 (calcium voltage-gated channel auxiliary subunit alpha2delta 4; minus strand). Cytogenetic location: 12p13.33.
Variant type: Deletion.
Genome position: GRCh38 VCF-style: chr12-1793756-TCTC-T. GRCh37 (hg19) VCF-style: chr12-1902922-TCTC-T.
Identifiers: ClinVar variation 4691189 (VCV004691189.2).

ClinVar aggregate classification (germline): Uncertain significance. Review status: criteria provided, multiple submitters, no conflicts (2 of 4 stars). 2 submissions from 2 submitters: Uncertain significance (2). Last evaluated 2025-10-23.

Submissions (2):

Labcorp Genetics (formerly Invitae), Labcorp
Classification: Uncertain significance. Last evaluated: 2025-10-23. Review status: criteria provided, single submitter. Criteria: Invitae Variant Classification Sherloc (09022015). Collection method: clinical testing. Allele origin: germline.
Comment: This variant, c.3310_3312del, results in the deletion of 1 amino acid(s) of the CACNA2D4 protein (p.Glu1104del), but otherwise preserves the integrity of the reading frame. This variant is present in population databases (rs760423766, gnomAD 0.003%). This variant has not been reported in the literature in individuals affected with CACNA2D4-related conditions. Experimental studies and prediction algorithms are not available or were not evaluated, and the functional significance of this variant is currently unknown. Algorithms developed to predict the effect of sequence changes on RNA splicing suggest that this variant may disrupt the consensus splice site. In summary, the available evidence is currently insufficient to determine the role of this variant in disease. Therefore, it has been classified as a Variant of Uncertain Significance.

Blueprint Genetics
Classification: Uncertain significance. Last evaluated: 2024-04-30. Review status: criteria provided, single submitter. Criteria: ACMG Guidelines, 2015. Collection method: clinical testing. Allele origin: germline.